The following is an entry in ClinVar:

ClinVar aggregate classification (germline): Likely benign (0 of 4 stars; one submission).

Conditions:
IL4R-related disorder. Also called: IL4R-related condition.

Allele frequency attached by ClinVar (database versions not stated): TOPMed 0.00005; gnomAD 0.00008; gnomAD exomes 0.00013; ExAC 0.00030; 1000 Genomes Project 30x 0.00078; 1000 Genomes Project 0.00100.
gnomAD v4.1: 211 of 1,614,122 alleles (0.013%); highest among the groups gnomAD compares: South Asian, 0.15%; 4 homozygotes.

Submission:

PreventionGenetics, part of Exact Sciences
Classification: Likely benign for IL4R-related condition. Last evaluated: 2020-02-17. Review status: no assertion criteria provided. Collection method: clinical testing. Allele origin: germline.
Comment: This variant is classified as likely benign based on ACMG/AMP sequence variant interpretation guidelines (Richards et al. 2015 PMID: 25741868, with internal and published modifications).

NM_000418.4(IL4R):c.850-9G>C

Gene: IL4R (interleukin 4 receptor; plus strand). Cytogenetic location: 16p12.1.
Variant type: single nucleotide variant.
Coding change: c.850-9G>C on transcript NM_000418.4 (MANE Select); 9 bases into the intron before coding-DNA position 850, G replaced by C.
Molecular consequence: intron variant.
Genome position (GRCh38, 1-based): chr16:27,360,757, G>C. VCF-style: chr16-27360757-G-C. GRCh37 (hg19) VCF-style: chr16-27372078-G-C.
Other names: c.805-9G>C (NM_001257407.2); c.850-9G>C (NM_001257406.2); c.370-9G>C (NM_001257997.2).
Identifiers: ClinVar variation 3051933 (VCV003051933.2), dbSNP rs551180670, ClinGen allele CA7974402.
Genomic context (GRCh38, chr16:27,360,757, plus strand): 5'-AGCATTGCCGTACTCCAGGCCGGGCTGCAAGGCCACTCTGCTCTTTCATTGGCTGTCTCT[G>C]TATTTTAGGGGTCACAGTGGGAGAAGCGGTCCCGAGGCCAGGAACCAGCCAAGTGCCCGT-3'